The following is an entry in ClinVar:

ClinVar aggregate classification (germline): Pathogenic (1 of 4 stars; one submission).

Conditions:
Pulmonary hypertension, primary, 1 (PPH1). Also called: Pulmonary hypertension, familial primary, 1, with or without HHT. Identifiers: Orphanet 422, MedGen C4552070, MONDO:0024533, OMIM 178600.

Submission:

MVZ Medizinische Genetik Mainz
Classification: Pathogenic for Pulmonary hypertension, primary, 1. Last evaluated: 2024-06-24. Review status: criteria provided, single submitter. Criteria: UK Practice Guidelines For Variant Classification V4 01 2020. Collection method: clinical testing. Allele origin: germline. Inheritance: Autosomal dominant inheritance. Affected: yes. Observed: 1 variant allele.
Comment: ACMG Criteria: PVS1,PM2_SUP,PP4

NC_000002.12:g.202467519del

Gene: BMPR2 (bone morphogenetic protein receptor type 2; plus strand). Cytogenetic location: 2q33.1.
Variant type: Deletion.
Genome position: GRCh38 VCF-style: chr2-202467517-AG-A. GRCh37 (hg19) VCF-style: chr2-203332240-AG-A.
Identifiers: ClinVar variation 3256711 (VCV003256711.1).